The following is an entry in ClinVar:

ClinVar aggregate classification (germline): Likely benign (1 of 4 stars; one submission).

Submission:

GeneDx
Classification: Likely benign. Last evaluated: 2018-06-14. Review status: criteria provided, single submitter. Criteria: GeneDx Variant Classification (06012015). Collection method: clinical testing. Allele origin: germline. Affected: yes.
Comment: This variant is considered likely benign or benign based on one or more of the following criteria: it is a conservative change, it occurs at a poorly conserved position in the protein, it is predicted to be benign by multiple in silico algorithms, and/or has population frequency not consistent with disease.

NM_020297.4(ABCC9):c.2198+136del

Gene: ABCC9 (ATP binding cassette subfamily C member 9; minus strand). Cytogenetic location: 12p12.1.
Variant type: Deletion.
Coding change: c.2198+136del on transcript NM_020297.4 (MANE Select); 136 bases into the intron after coding-DNA position 2198, one base deleted (A; older notation c.2198+136delA).
Molecular consequence: intron variant.
Genome position (GRCh38, 1-based): chr12:21,872,489, T deleted on the plus strand (A on the coding strand, the reverse complement: ABCC9 is on the minus strand); the first of 10 consecutive T bases (chr12:21,872,489-21,872,498); deleting any one gives the same sequence. VCF-style (leftmost placement, unchanged base first): chr12-21872488-AT-A. GRCh37 (hg19) VCF-style: chr12-22025422-AT-A.
Other names: c.1334+136del (NM_001377274.1); c.2198+136del (NM_005691.4, NM_001377273.1).
Identifiers: ClinVar variation 676410 (VCV000676410.1), dbSNP rs374491127, ClinGen allele CA603670871.
Genomic context (GRCh38, chr12:21,872,488, plus strand): 5'-ACAACCTTTGTAATAAATTGTTTTGTAACTTTTTATTTATGACTTTTAAGGTTTCCATCA[AT>A]TTTTTTTTTAAAGCTGTGCTTATTTCTGCGTGGTCTTCAGAGTCAGAACATGTAAATGTA-3'